The following is an entry in ClinVar:

ClinVar aggregate classification (germline): Likely benign (0 of 4 stars; one submission).

Conditions:
ADAMTS2-related disorder. Also called: ADAMTS2-related condition.

Allele frequency attached by ClinVar (database versions not stated): TOPMed below 0.00001.

Submission:

PreventionGenetics, part of Exact Sciences
Classification: Likely benign for ADAMTS2-related condition. Last evaluated: 2019-02-18. Review status: no assertion criteria provided. Collection method: clinical testing. Allele origin: germline.
Comment: This variant is classified as likely benign based on ACMG/AMP sequence variant interpretation guidelines (Richards et al. 2015 PMID: 25741868, with internal and published modifications).

NM_014244.5(ADAMTS2):c.1952-9C>A

Gene: ADAMTS2 (ADAM metallopeptidase with thrombospondin type 1 motif 2; minus strand). Cytogenetic location: 5q35.3.
Variant type: single nucleotide variant.
Coding change: c.1952-9C>A on transcript NM_014244.5 (MANE Select); 9 bases into the intron before coding-DNA position 1952, C replaced by A.
Molecular consequence: intron variant.
Genome position (GRCh38, 1-based): chr5:179,136,051, G>T on the plus strand (C>A on the coding strand, the complement: ADAMTS2 is on the minus strand). VCF-style: chr5-179136051-G-T. GRCh37 (hg19) VCF-style: chr5-178563052-G-T.
Identifiers: ClinVar variation 3057838 (VCV003057838.2), dbSNP rs369079813, ClinGen allele CA133037712.